The following is an entry in ClinVar:

ClinVar aggregate classification (germline): Uncertain significance (1 of 4 stars; one submission).

Allele frequency attached by ClinVar (database versions not stated): gnomAD exomes below 0.00001.

Submission:

Laboratory for Molecular Medicine, Mass General Brigham Personalized Medicine
Classification: Uncertain significance. Last evaluated: 2012-04-03. Review status: criteria provided, single submitter. Criteria: LMM Criteria. Collection method: clinical testing. Allele origin: germline. Observed: 1 variant allele.
Comment: The Ile4676Val variant (TTN) has not been reported in the literature nor previou sly identified by our laboratory. Computational tools are limited or unavailable for this variant. In summary, additional information is needed to fully assess the clinical significance of the Ile4676Val variant.

NM_133379.5(TTN):c.14026A>G (p.Ile4676Val)

Genes: TTN (titin; minus strand), LOC126806432 (CDK7 strongly-dependent group 2 enhancer GRCh37_chr2:179611985-179613184; plus strand). Cytogenetic location: 2q31.2.
Variant type: single nucleotide variant.
Coding change: c.14026A>G on transcript NM_133379.5; coding-DNA position 14026, A replaced by G.
Protein change: p.Ile4676Val; replaces isoleucine 4676 with valine.
Molecular consequence: missense variant. On other transcripts: intron variant (6).
Genome position (GRCh38, 1-based): chr2:178,748,374, T>C on the plus strand (A>G on the coding strand, the complement: TTN is on the minus strand). VCF-style: chr2-178748374-T-C. GRCh37 (hg19) VCF-style: chr2-179613101-T-C.
Other names: c.10222+4750A>G (NM_003319.4); c.10798+4750A>G (NM_133437.4); c.10597+4750A>G (NM_133432.3); c.10360+4750A>G (NM_133378.4, NM_001256850.1); c.11311+4750A>G (NM_001267550.2); short protein forms I4676V.
Identifiers: ClinVar variation 47768 (VCV000047768.5), dbSNP rs397517811, ClinGen allele CA141856.
Genomic context (GRCh38, chr2:178,748,374, plus strand): 5'-TTTCATCAATACTACTTTTCTCCACCATAGTTCTATTTGAAAGCTCTTGACTGGAAGAAA[T>C]TTCTTGACTGGCAAATACATTATTTTGCACACTTTTAGAGATATTGTGTGTGTCAGGTTG-3'